The following is an entry in ClinVar:

NM_001031689.3(PLAA):c.1746A>G (p.Leu582=)

Gene: PLAA (phospholipase A2 activating protein; minus strand). Cytogenetic location: 9p21.2.
Variant type: single nucleotide variant.
Coding change: c.1746A>G on transcript NM_001031689.3 (MANE Select); coding-DNA position 1746, A replaced by G.
Protein change: p.Leu582=; no amino-acid change (leucine 582 retained).
Molecular consequence: synonymous variant.
Genome position (GRCh38, 1-based): chr9:26,907,910, T>C on the plus strand (A>G on the coding strand, the complement: PLAA is on the minus strand). VCF-style: chr9-26907910-T-C. GRCh37 (hg19) VCF-style: chr9-26907908-T-C.
Other names: c.1677A>G, p.Leu559= (NM_001321546.2).
Identifiers: ClinVar variation 1169614 (VCV001169614.34), dbSNP rs183609067, ClinGen allele CA5014233.

ClinVar aggregate classification (germline): Benign/Likely benign. Review status: criteria provided, multiple submitters, no conflicts (2 of 4 stars). 3 submissions from 3 submitters: Benign (1); Likely benign (2). Last evaluated 2026-02-03.

Allele frequency attached by ClinVar (database versions not stated): gnomAD exomes 0.00018 and 0.00088; gnomAD 0.00031 and 0.00044; TOPMed 0.00052; ExAC 0.00080; 1000 Genomes Project 0.00300; 1000 Genomes Project 30x 0.00312.
gnomAD v4.1: 366 of 1,611,566 alleles (0.023%); highest among the groups gnomAD compares: East Asian, 0.65%; 2 homozygotes.

Submissions (3):

Labcorp Genetics (formerly Invitae), Labcorp
Classification: Benign. Last evaluated: 2026-02-03. Review status: criteria provided, single submitter. Criteria: Invitae Variant Classification Sherloc (09022015). Collection method: clinical testing. Allele origin: germline.

Blueprint Genetics
Classification: Likely benign. Last evaluated: 2024-11-14. Review status: criteria provided, single submitter. Criteria: ACMG Guidelines, 2015. Collection method: clinical testing. Allele origin: germline.

CeGaT Center for Human Genetics Tuebingen
Classification: Likely benign. Last evaluated: 2023-06-01. Review status: criteria provided, single submitter. Criteria: CeGaT Center For Human Genetics Tuebingen Variant Classification Criteria Version 2. Collection method: clinical testing. Allele origin: germline. Affected: yes. Observed: 1 variant allele.
Comment: PLAA: BP4, BP7, BS1